The following is an entry in ClinVar:

NM_052947.4(ALPK2):c.174T>G (p.Ile58Met)

Gene: ALPK2 (alpha kinase 2; minus strand). Cytogenetic location: 18q21.32.
Variant type: single nucleotide variant.
Coding change: c.174T>G on transcript NM_052947.4 (MANE Select); coding-DNA position 174, T replaced by G.
Protein change: p.Ile58Met; replaces isoleucine 58 with methionine.
Molecular consequence: missense variant.
Genome position (GRCh38, 1-based): chr18:58,607,375, A>C on the plus strand (T>G on the coding strand, the complement: ALPK2 is on the minus strand). VCF-style: chr18-58607375-A-C. GRCh37 (hg19) VCF-style: chr18-56274607-A-C.
Other names: short protein forms I58M.
Identifiers: ClinVar variation 3228582 (VCV003228582.1), dbSNP rs2518912943, ClinGen allele CA402555978.

ClinVar aggregate classification (germline): Uncertain significance (1 of 4 stars; one submission).

Submission:

Ambry Genetics
Classification: Uncertain significance. Last evaluated: 2023-11-02. Review status: criteria provided, single submitter. Criteria: Ambry Variant Classification Scheme 2023. Collection method: clinical testing. Allele origin: germline.
Comment: The p.I58M variant (also known as c.174T>G), located in coding exon 2 of the ALPK2 gene, results from a T to G substitution at nucleotide position 174. The isoleucine at codon 58 is replaced by methionine, an amino acid with highly similar properties. This amino acid position is conserved. In addition, this alteration is predicted to be tolerated by in silico analysis. Since supporting evidence is limited at this time, the clinical significance of this alteration remains unclear.